The following is an entry in ClinVar:

NM_001165963.4(SCN1A):c.5870A>G (p.Glu1957Gly)

Genes: SCN1A (sodium voltage-gated channel alpha subunit 1; minus strand), LOC102724058 (uncharacterized LOC102724058; plus strand). Cytogenetic location: 2q24.3.
Variant type: single nucleotide variant.
Coding change: c.5870A>G on transcript NM_001165963.4 (MANE Select); coding-DNA position 5870, A replaced by G.
Protein change: p.Glu1957Gly; replaces glutamic acid 1957 with glycine.
Molecular consequence: missense variant. On other transcripts: non-coding transcript variant (1).
Genome position (GRCh38, 1-based): chr2:165,991,405, T>C on the plus strand (A>G on the coding strand, the complement: SCN1A is on the minus strand). VCF-style: chr2-165991405-T-C. GRCh37 (hg19) VCF-style: chr2-166847915-T-C.
Other names: p.E1957G:GAA>GGA; c.5786A>G, p.Glu1929Gly (NM_001165964.3, NM_001353957.2, NM_001353958.2); c.5870A>G, p.Glu1957Gly (NM_001202435.3, NM_001353948.2); c.5837A>G, p.Glu1946Gly (NM_001353949.2, NM_001353950.2, NM_001353951.2 and 2 more transcripts); c.5834A>G, p.Glu1945Gly (NM_001353954.2, NM_001353955.2); c.5783A>G, p.Glu1928Gly (NM_001353960.2); c.3428A>G, p.Glu1143Gly (NM_001353961.2); c.5870A>G (NM_001202435.1); short protein forms E1946G, E1957G, E1143G, E1929G, E1945G, E1928G.
Identifiers: ClinVar variation 68671 (VCV000068671.46), dbSNP rs121918802, ClinGen allele CA213190.

ClinVar aggregate classification (germline): Conflicting classifications of pathogenicity. Review status: criteria provided, conflicting classifications (1 of 4 stars). 12 submissions from 12 submitters: Uncertain significance (2); Benign (2); Likely benign (7). 1 of the submissions does not count toward it. Last evaluated 2026-01-28.

Conditions:
Early-infantile DEE. Also called: Ohtahara syndrome; Early infantile epileptic encephalopathy with suppression bursts; Early infantile epileptic encephalopathy. Identifiers: Orphanet 1934, MedGen C0393706, MONDO:0800491.
SCN1A-related disorder. Also called: SCN1A-related disorders; SCN1A-related conditions; SCN1A-related condition.
Inborn genetic diseases. Identifiers: MedGen C0950123, MeSH D030342.
Migraine, familial hemiplegic, 3. Identifiers: Orphanet 569, MedGen C1864987, MONDO:0012320, OMIM 609634.
Generalized epilepsy with febrile seizures plus, type 2 (GEFSP2). Also called: GEFS+, TYPE 2. Identifiers: Orphanet 36387, MedGen C1858673, MONDO:0011461, OMIM 604403.
Severe myoclonic epilepsy in infancy (DRVT). Also called: DEVELOPMENTAL AND EPILEPTIC ENCEPHALOPATHY 6A; Severe Myoclonic Epilepsy in Infancy (SMEI); Epileptic encephalopathy, early infantile, 6 (Dravet syndrome); SEVERE MYOCLONIC EPILEPSY OF INFANCY; Dravet syndrome. Identifiers: Orphanet 33069, MedGen C0751122, MONDO:0100135, OMIM 607208.
West syndrome. Also called: Infantile epileptic spasms syndrome. Identifiers: Orphanet 3451, Orphanet 697160, MedGen C0037769, MONDO:0018097. Disease mechanism: loss of function.

Allele frequency attached by ClinVar (database versions not stated): ExAC 0.00009; gnomAD exomes 0.00014 and 0.00021; gnomAD 0.00015 and 0.00016; TOPMed 0.00015; ESP Exome Variant Server 0.00038.
gnomAD v4.1: 321 of 1,613,718 alleles (0.02%); highest among the groups gnomAD compares: Admixed American, 0.025%; no homozygotes.

Submissions (22):

Labcorp Genetics (formerly Invitae), Labcorp
Classification: Benign for Early-infantile DEE. Last evaluated: 2026-01-28. Review status: criteria provided, single submitter. Criteria: Invitae Variant Classification Sherloc (09022015). Collection method: clinical testing. Allele origin: germline.

CeGaT Center for Human Genetics Tuebingen
Classification: Likely benign. Last evaluated: 2026-01-01. Review status: criteria provided, single submitter. Criteria: CeGaT Center For Human Genetics Tuebingen Variant Classification Criteria Version 2. Collection method: clinical testing. Allele origin: germline. Affected: yes. Observed: 2 variant alleles.
Comment: SCN1A: PP2, BS2

PreventionGenetics, part of Exact Sciences
Classification: Uncertain significance for SCN1A-related condition. Last evaluated: 2025-06-03. Review status: criteria provided, single submitter. Criteria: ACMG Guidelines, 2015. Collection method: clinical testing. Allele origin: germline.
Comment: The SCN1A c.5870A>G variant is predicted to result in the amino acid substitution p.Glu1957Gly. This variant was reported in an individual with infantile spasms (Wallace et al. 2003. PubMed ID: 14504318). However, this variant was also seen in 5 out of ~13,000 healthy control alleles (Table 2, Cherepanova et al. 2013. PubMed ID: 23527921). This variant is reported in 0.022% of alleles in individuals of European (Non-Finnish) descent in gnomAD, which is likely too common to be a primary cause of disease. Although we suspect that this variant may be benign, at this time, the clinical significance of this variant is uncertain due to the absence of conclusive functional and genetic evidence.

Athena Diagnostics
Classification: Likely benign. Last evaluated: 2024-12-02. Review status: criteria provided, single submitter. Criteria: Athena Diagnostics Criteria. Collection method: clinical testing. Allele origin: unknown.
Comment: The frequency of this variant in the general population is higher than would generally be expected for pathogenic variants in this gene. This variant has been seen where an alternate explanation for disease was also identified.

ARUP Laboratories, Molecular Genetics and Genomics, ARUP Laboratories
Classification: Likely benign. Last evaluated: 2024-11-07. Review status: criteria provided, single submitter. Criteria: ARUP Molecular Germline Variant Investigation Process 2024. Collection method: clinical testing. Allele origin: germline.

Blueprint Genetics
Classification: Likely benign. Last evaluated: 2024-07-24. Review status: criteria provided, single submitter. Criteria: ACMG Guidelines, 2015. Collection method: clinical testing. Allele origin: germline.

Women's Health and Genetics/Laboratory Corporation of America, LabCorp
Classification: Likely benign. Last evaluated: 2024-03-05. Review status: criteria provided, single submitter. Criteria: LabCorp Variant Classification Summary - May 2015. Collection method: clinical testing. Allele origin: germline.
Comment: Variant summary: SCN1A c.5870A>G (p.Glu1957Gly) results in a non-conservative amino acid change in the encoded protein sequence. Four of five in-silico tools predict a damaging effect of the variant on protein function. The variant allele was found at a frequency of 0.00014 in 250744 control chromosomes, predominantly at a frequency of 0.00023 within the Non-Finnish European subpopulation in the gnomAD database. The observed variant frequency within Non-Finnish European control individuals in the gnomAD database is approximately 12.88 fold of the estimated maximal expected allele frequency for a pathogenic variant in SCN1A causing SCN1A-Related Seizure Disorder phenotype (1.8e-05), strongly suggesting that the variant is a benign polymorphism found primarily in populations of Non-Finnish European origin. c.5870A>G has been reported in the literature in at least one individual affected with infantile spasms (e.g., Wallace_2003), however this report does not provide unequivocal conclusions about association of the variant with SCN1A-Related Seizure Disorder. To our knowledge, no experimental evidence demonstrating an impact on protein function has been reported. The following publication have been ascertained in the context of this evaluation (PMID: 14504318). ClinVar contains an entry for this variant (Variation ID: 68671). Based on the evidence outlined above, the variant was classified as likely benign.

Mendelics
Classification: Likely benign. Last evaluated: 2022-05-04. Review status: criteria provided, single submitter. Criteria: Mendelics Assertion Criteria 2019. Collection method: clinical testing. Allele origin: germline.

Ambry Genetics
Classification: Likely benign for Inborn genetic diseases. Last evaluated: 2022-03-04. Review status: criteria provided, single submitter. Criteria: Ambry Variant Classification Scheme 2023. Collection method: clinical testing. Allele origin: germline.

GeneDx
Classification: Benign. Last evaluated: 2020-02-14. Review status: criteria provided, single submitter. Criteria: GeneDx Variant Classification Process June 2021. Collection method: clinical testing. Allele origin: germline. Affected: yes.
Comment: Reported previously an individual with infantile spasms and mild intellectual disability; however, family studies were not performed (Wallace et al., 2003); This substitution is within the C-terminal cytoplasmic domain of the protein (Escayg et al., 2010); In silico analysis, which includes protein predictors and evolutionary conservation, supports a deleterious effect; This variant is associated with the following publications: (PMID: 23527921, 14504318)

Fulgent Genetics
Classification: Uncertain significance for Generalized epilepsy with febrile seizures plus, type 2; Severe myoclonic epilepsy in infancy; Migraine, familial hemiplegic, 3. Last evaluated: 2018-10-31. Review status: criteria provided, single submitter. Criteria: ACMG Guidelines, 2015. Collection method: clinical testing. Allele origin: unknown.

Channelopathy-Associated Epilepsy Research Center
No classification provided (evidence only). Review status: no classification provided. Collection method: in vitro. Allele origin: not applicable. Functional consequence: Normal peak current. Not counted in ClinVar's aggregate classification.

Channelopathy-Associated Epilepsy Research Center
No classification provided (evidence only). Review status: no classification provided. Collection method: in vitro. Allele origin: not applicable. Functional consequence: Normal voltage dependence of activation. Not counted in ClinVar's aggregate classification.

Channelopathy-Associated Epilepsy Research Center
No classification provided (evidence only). Review status: no classification provided. Collection method: in vitro. Allele origin: not applicable. Functional consequence: Normal slope of activation. Not counted in ClinVar's aggregate classification.

Channelopathy-Associated Epilepsy Research Center
No classification provided (evidence only). Review status: no classification provided. Collection method: in vitro. Allele origin: not applicable. Functional consequence: Normal voltage dependence of fast inactivation. Not counted in ClinVar's aggregate classification.

Channelopathy-Associated Epilepsy Research Center
No classification provided (evidence only). Review status: no classification provided. Collection method: in vitro. Allele origin: not applicable. Functional consequence: Normal slope of fast inactivation. Not counted in ClinVar's aggregate classification.

Channelopathy-Associated Epilepsy Research Center
No classification provided (evidence only). Review status: no classification provided. Collection method: in vitro. Allele origin: not applicable. Functional consequence: Normal rate of recovery from fast inactivation. Not counted in ClinVar's aggregate classification.

Channelopathy-Associated Epilepsy Research Center
No classification provided (evidence only). Review status: no classification provided. Collection method: in vitro. Allele origin: not applicable. Functional consequence: Normal current amplitude in use dependence. Not counted in ClinVar's aggregate classification.

Channelopathy-Associated Epilepsy Research Center
No classification provided (evidence only). Review status: no classification provided. Collection method: in vitro. Allele origin: not applicable. Functional consequence: Normal fast inactivation. Not counted in ClinVar's aggregate classification.

Channelopathy-Associated Epilepsy Research Center
No classification provided (evidence only). Review status: no classification provided. Collection method: in vitro. Allele origin: not applicable. Functional consequence: Normal ramp current. Not counted in ClinVar's aggregate classification.

Channelopathy-Associated Epilepsy Research Center
No classification provided (evidence only). Review status: no classification provided. Collection method: in vitro. Allele origin: not applicable. Functional consequence: Normal persistent current. Not counted in ClinVar's aggregate classification.

UniProtKB/Swiss-Prot
No classification provided. Review status: no classification provided. Collection method: not provided. Allele origin: not provided. Not counted in ClinVar's aggregate classification.

Literature cited by the submitters: PubMed 31755124 (cited by Athena Diagnostics); PubMed 35002916 (cited by Athena Diagnostics); PubMed 18804930 (cited by Athena Diagnostics); PubMed 15880351 (cited by Athena Diagnostics); PubMed 26934580 (cited by Athena Diagnostics); PubMed 19586930 (cited by Athena Diagnostics); PubMed 33156843 (cited by Athena Diagnostics); PubMed 26986070 (cited by Athena Diagnostics); PubMed 23527921 (cited by Athena Diagnostics); PubMed 14504318 (cited by Athena Diagnostics and Women's Health and Genetics/Laboratory Corporation of America, LabCorp); PubMed 24422737 (cited by Athena Diagnostics).